The following is an entry in ClinVar:

ClinVar aggregate classification (germline): Uncertain significance. Review status: criteria provided, multiple submitters, no conflicts (2 of 4 stars). 2 submissions from 2 submitters: Uncertain significance (2). Last evaluated 2022-11-01.

Conditions:
Inborn genetic diseases. Identifiers: MedGen C0950123, MeSH D030342.

Allele frequency attached by ClinVar (database versions not stated): gnomAD exomes 0.00001; TOPMed 0.00001; ExAC 0.00002; gnomAD 0.00002.
gnomAD v4.1: 18 of 1,592,034 alleles (0.0011%); highest among the groups gnomAD compares: East Asian, 0.011%; no homozygotes.

Submissions (2):

Labcorp Genetics (formerly Invitae), Labcorp
Classification: Uncertain significance. Last evaluated: 2022-11-01. Review status: criteria provided, single submitter. Criteria: Invitae Variant Classification Sherloc (09022015). Collection method: clinical testing. Allele origin: germline.
Comment: In summary, the available evidence is currently insufficient to determine the role of this variant in disease. Therefore, it has been classified as a Variant of Uncertain Significance. Advanced modeling of protein sequence and biophysical properties (such as structural, functional, and spatial information, amino acid conservation, physicochemical variation, residue mobility, and thermodynamic stability) performed at Invitae indicates that this missense variant is expected to disrupt KMT2C protein function. This variant has not been reported in the literature in individuals affected with KMT2C-related conditions. This variant is present in population databases (rs774181466, gnomAD 0.006%). This sequence change replaces lysine, which is basic and polar, with arginine, which is basic and polar, at codon 952 of the KMT2C protein (p.Lys952Arg).

Ambry Genetics
Classification: Uncertain significance for Inborn genetic diseases. Last evaluated: 2022-10-26. Review status: criteria provided, single submitter. Criteria: Ambry Variant Classification Scheme 2023. Collection method: clinical testing. Allele origin: germline.

NM_170606.3(KMT2C):c.2855A>G (p.Lys952Arg)

Gene: KMT2C (lysine methyltransferase 2C; minus strand). Cytogenetic location: 7q36.1.
Variant type: single nucleotide variant.
Coding change: c.2855A>G on transcript NM_170606.3 (MANE Select); coding-DNA position 2855, A replaced by G.
Protein change: p.Lys952Arg; replaces lysine 952 with arginine.
Molecular consequence: missense variant.
Genome position (GRCh38, 1-based): chr7:152,230,236, T>C on the plus strand (A>G on the coding strand, the complement: KMT2C is on the minus strand). VCF-style: chr7-152230236-T-C. GRCh37 (hg19) VCF-style: chr7-151927321-T-C.
Other names: short protein forms K952R.
Identifiers: ClinVar variation 2319592 (VCV002319592.5), dbSNP rs774181466, ClinGen allele CA4581015.